The following is an entry in ClinVar:

ClinVar aggregate classification (germline): Uncertain significance. Review status: criteria provided, multiple submitters, no conflicts (2 of 4 stars). 3 submissions from 3 submitters: Uncertain significance (3). Last evaluated 2023-07-25.

Conditions:
Dextro-looped transposition of the great arteries. Also called: Dextrotransposition of the great arteries. Identifiers: Orphanet 860, MedGen C3531771, MONDO:0019443, OMIM 608808, HP:0031348.
Inborn genetic diseases. Identifiers: MedGen C0950123, MeSH D030342.

Allele frequency attached by ClinVar (database versions not stated): gnomAD 0.00001; 1000 Genomes Project 30x 0.00016; 1000 Genomes Project 0.00020.
gnomAD v4.1: 1 of 1,614,124 alleles (0.000062%); highest among the groups gnomAD compares: East Asian, 0.0022%; no homozygotes.

Submissions (3):

Ambry Genetics
Classification: Uncertain significance for Inborn genetic diseases. Last evaluated: 2023-07-25. Review status: criteria provided, single submitter. Criteria: Ambry Variant Classification Scheme 2023. Collection method: clinical testing. Allele origin: germline.

GeneDx
Classification: Uncertain significance. Last evaluated: 2022-12-29. Review status: criteria provided, single submitter. Criteria: GeneDx Variant Classification Process June 2021. Collection method: clinical testing. Allele origin: germline. Affected: yes.
Comment: Has not been previously published as pathogenic or benign to our knowledge; In silico analysis supports that this missense variant has a deleterious effect on protein structure/function

Labcorp Genetics (formerly Invitae), Labcorp
Classification: Uncertain significance for Dextro-looped transposition of the great arteries. Last evaluated: 2022-10-17. Review status: criteria provided, single submitter. Criteria: Invitae Variant Classification Sherloc (09022015). Collection method: clinical testing. Allele origin: germline.
Comment: In summary, the available evidence is currently insufficient to determine the role of this variant in disease. Therefore, it has been classified as a Variant of Uncertain Significance. Advanced modeling of protein sequence and biophysical properties (such as structural, functional, and spatial information, amino acid conservation, physicochemical variation, residue mobility, and thermodynamic stability) performed at Invitae indicates that this missense variant is expected to disrupt MED13L protein function. This variant has not been reported in the literature in individuals affected with MED13L-related conditions. This variant is not present in population databases (gnomAD no frequency). This sequence change replaces lysine, which is basic and polar, with threonine, which is neutral and polar, at codon 1868 of the MED13L protein (p.Lys1868Thr).

NM_015335.5(MED13L):c.5603A>C (p.Lys1868Thr)

Gene: MED13L (mediator complex subunit 13L; minus strand). Cytogenetic location: 12q24.21.
Variant type: single nucleotide variant.
Coding change: c.5603A>C on transcript NM_015335.5 (MANE Select); coding-DNA position 5603, A replaced by C.
Protein change: p.Lys1868Thr; replaces lysine 1868 with threonine.
Molecular consequence: missense variant.
Genome position (GRCh38, 1-based): chr12:115,975,299, T>G on the plus strand (A>C on the coding strand, the complement: MED13L is on the minus strand). VCF-style: chr12-115975299-T-G. GRCh37 (hg19) VCF-style: chr12-116413104-T-G.
Other names: short protein forms K1868T.
Identifiers: ClinVar variation 1810102 (VCV001810102.8), dbSNP rs565360797, ClinGen allele CA244136216.